The following is an entry in ClinVar:

ClinVar aggregate classification (germline): Likely benign (1 of 4 stars; one submission).

Allele frequency attached by ClinVar (database versions not stated): gnomAD 0.00004; TOPMed 0.00004; ExAC 0.00005; ESP Exome Variant Server 0.00008; gnomAD exomes 0.00010.
gnomAD v4.1: 155 of 1,605,566 alleles (0.0097%); highest among the groups gnomAD compares: Non-Finnish European, 0.013%; no homozygotes.

Submission:

CeGaT Center for Human Genetics Tuebingen
Classification: Likely benign. Last evaluated: 2022-09-01. Review status: criteria provided, single submitter. Criteria: CeGaT Center For Human Genetics Tuebingen Variant Classification Criteria Version 2. Collection method: clinical testing. Allele origin: germline. Affected: yes. Observed: 1 variant allele.
Comment: DCC: BP4, BP7

NM_005215.4(DCC):c.706C>T (p.Leu236=)

Gene: DCC (DCC netrin 1 receptor; plus strand). Cytogenetic location: 18q21.2.
Variant type: single nucleotide variant.
Coding change: c.706C>T on transcript NM_005215.4 (MANE Select); coding-DNA position 706, C replaced by T.
Protein change: p.Leu236=; no amino-acid change (leucine 236 retained).
Molecular consequence: synonymous variant.
Genome position (GRCh38, 1-based): chr18:52,923,715, C>T. VCF-style: chr18-52923715-C-T. GRCh37 (hg19) VCF-style: chr18-50450085-C-T.
Identifiers: ClinVar variation 2648723 (VCV002648723.24), dbSNP rs146026074, ClinGen allele CA8966622.